The following is an entry in ClinVar:

ClinVar aggregate classification (germline): Likely benign. Review status: criteria provided, multiple submitters, no conflicts (2 of 4 stars). 3 submissions from 3 submitters: Likely benign (3). Last evaluated 2026-01-09.

Conditions:
Multiple endocrine neoplasia, type 2 (MEN2). Identifiers: Orphanet 653, MedGen C4048306, MONDO:0019003. Disease mechanism: gain of function.
RET-related disorder. Also called: RET-related disorders; RET-related condition; RET-related disease.
Hereditary cancer-predisposing syndrome. Also called: Neoplastic Syndromes, Hereditary; Hereditary neoplastic syndrome; Hereditary Cancer Syndrome; Tumor predisposition. Identifiers: Orphanet 140162, MedGen C0027672, MeSH D009386, MONDO:0015356.

Allele frequency attached by ClinVar (database versions not stated): gnomAD exomes below 0.00001.
gnomAD v4.1: 1 of 1,605,836 alleles (0.000062%); highest among the groups gnomAD compares: Non-Finnish European, 0.000085%; no homozygotes.

Submissions (3):

PreventionGenetics, part of Exact Sciences
Classification: Likely benign for RET-related condition. Last evaluated: 2026-01-09. Review status: criteria provided, single submitter. Criteria: ACMG Guidelines, 2015. Collection method: clinical testing. Allele origin: germline.
Comment: This variant is classified as likely benign based on ACMG/AMP sequence variant interpretation guidelines (Richards et al. 2015 PMID: 25741868, with internal and published modifications).

Labcorp Genetics (formerly Invitae), Labcorp
Classification: Likely benign for Multiple endocrine neoplasia, type 2. Last evaluated: 2025-06-16. Review status: criteria provided, single submitter. Criteria: Invitae Variant Classification Sherloc (09022015). Collection method: clinical testing. Allele origin: germline.

Ambry Genetics
Classification: Likely benign for Hereditary cancer-predisposing syndrome. Last evaluated: 2020-05-16. Review status: criteria provided, single submitter. Criteria: Ambry Variant Classification Scheme 2023. Collection method: clinical testing. Allele origin: germline.

NM_020975.6(RET):c.711C>T (p.Tyr237=)

Gene: RET (ret proto-oncogene; plus strand). Cytogenetic location: 10q11.21.
Variant type: single nucleotide variant.
Coding change: c.711C>T on transcript NM_020975.6 (MANE Select); coding-DNA position 711, C replaced by T.
Protein change: p.Tyr237=; no amino-acid change (tyrosine 237 retained).
Molecular consequence: synonymous variant. On other transcripts: 5 prime UTR variant (1), intron variant (22).
Genome position (GRCh38, 1-based): chr10:43,105,037, C>T. VCF-style: chr10-43105037-C-T. GRCh37 (hg19) VCF-style: chr10-43600485-C-T.
Other names: c.711C>T, p.Tyr237= (NM_000323.2, NM_001406743.1, NM_001406744.1 and 8 more transcripts); c.-52C>T (NM_001355216.2); c.582C>T, p.Tyr194= (NM_001406761.1, NM_001406762.1, NM_001406764.1 and 2 more transcripts); c.423C>T, p.Tyr141= (NM_001406766.1, NM_001406767.1, NM_001406770.1); c.625+2408C>T (NM_001406773.1, NM_001406771.1, NM_001406782.1 and 5 more transcripts); c.496+2408C>T (NM_001406786.1, NM_001406783.1); c.338-3994C>T (NM_001406778.1, NM_001406775.1, NM_001406776.1 and 1 more transcripts); c.337+4315C>T (NM_001406790.1, NM_001406788.1, NM_001406789.1 and 1 more transcripts); and 2 more.
Identifiers: ClinVar variation 1757264 (VCV001757264.8), dbSNP rs1313457558, ClinGen allele CA469021581.